The following is an entry in ClinVar:

ClinVar aggregate classification (germline): Uncertain significance (1 of 4 stars; one submission).

gnomAD v4.1: 1 of 1,614,176 alleles (0.000062%); highest among the groups gnomAD compares: Non-Finnish European, 0.000085%; no homozygotes.

Submission:

Labcorp Genetics (formerly Invitae), Labcorp
Classification: Uncertain significance. Last evaluated: 2024-06-05. Review status: criteria provided, single submitter. Criteria: Invitae Variant Classification Sherloc (09022015). Collection method: clinical testing. Allele origin: germline.
Comment: This sequence change replaces asparagine, which is neutral and polar, with isoleucine, which is neutral and non-polar, at codon 91 of the TET2 protein (p.Asn91Ile). This variant is not present in population databases (gnomAD no frequency). This variant has not been reported in the literature in individuals affected with TET2-related conditions. An algorithm developed to predict the effect of missense changes on protein structure and function (PolyPhen-2) suggests that this variant is likely to be disruptive. In summary, the available evidence is currently insufficient to determine the role of this variant in disease. Therefore, it has been classified as a Variant of Uncertain Significance.

NM_001127208.3(TET2):c.272A>T (p.Asn91Ile)

Genes: TET2 (tet methylcytosine dioxygenase 2; plus strand), TET2-AS1 (TET2 antisense RNA 1; minus strand). Cytogenetic location: 4q24.
Variant type: single nucleotide variant.
Coding change: c.272A>T on transcript NM_001127208.3 (MANE Select); coding-DNA position 272, A replaced by T.
Protein change: p.Asn91Ile; replaces asparagine 91 with isoleucine.
Molecular consequence: missense variant.
Genome position (GRCh38, 1-based): chr4:105,234,214, A>T. VCF-style: chr4-105234214-A-T. GRCh37 (hg19) VCF-style: chr4-106155371-A-T.
Other names: c.272A>T, p.Asn91Ile (NM_017628.4); short protein forms N91I.
Identifiers: ClinVar variation 3655629 (VCV003655629.2).